The following is an entry in ClinVar:

ClinVar aggregate classification (germline): Likely benign (1 of 4 stars; one submission).

Allele frequency attached by ClinVar (database versions not stated): gnomAD exomes 0.00014; ExAC 0.00018; TOPMed 0.00022; ESP Exome Variant Server 0.00023; gnomAD 0.00024; 1000 Genomes Project 30x 0.00031; 1000 Genomes Project 0.00040.
gnomAD v4.1: 244 of 1,614,182 alleles (0.015%); highest among the groups gnomAD compares: Middle Eastern, 0.23%; 1 homozygote.

Submission:

CeGaT Center for Human Genetics Tuebingen
Classification: Likely benign. Last evaluated: 2022-04-01. Review status: criteria provided, single submitter. Criteria: CeGaT Center For Human Genetics Tuebingen Variant Classification Criteria Version 2. Collection method: clinical testing. Allele origin: germline. Affected: yes. Observed: 1 variant allele.
Comment: AGO3: BP4, BP7

NM_024852.4(AGO3):c.1773A>G (p.Pro591=)

Gene: AGO3 (argonaute RISC catalytic component 3; plus strand). Cytogenetic location: 1p34.3.
Variant type: single nucleotide variant.
Coding change: c.1773A>G on transcript NM_024852.4 (MANE Select); coding-DNA position 1773, A replaced by G.
Protein change: p.Pro591=; no amino-acid change (proline 591 retained).
Molecular consequence: synonymous variant.
Genome position (GRCh38, 1-based): chr1:36,036,198, A>G. VCF-style: chr1-36036198-A-G. GRCh37 (hg19) VCF-style: chr1-36501799-A-G.
Other names: c.1071A>G, p.Pro357= (NM_177422.3).
Identifiers: ClinVar variation 2638660 (VCV002638660.24), dbSNP rs139849193, ClinGen allele CA763862.